The following is an entry in ClinVar:

ClinVar aggregate classification (germline): Benign. Review status: criteria provided, multiple submitters, no conflicts (2 of 4 stars). 3 submissions from 3 submitters: Benign (3). Last evaluated 2021-07-14.

Conditions:
Immunodeficiency 47 (IMD47). Also called: IMMUNODEFICIENCY AND HEPATOPATHY WITH OR WITHOUT NEUROLOGIC FEATURES. Identifiers: Orphanet 692790, MedGen C4310819, MONDO:0010504, OMIM 300972.

Allele frequency attached by ClinVar (database versions not stated): gnomAD 0.77310 and 0.78251; gnomAD exomes 0.88334; TOPMed 0.76698; 1000 Genomes Project 30x 0.80208.

Submissions (3):

Genome-Nilou Lab
Classification: Benign for Immunodeficiency 47. Last evaluated: 2021-07-14. Review status: criteria provided, single submitter. Criteria: ACMG Guidelines, 2015. Collection method: clinical testing. Allele origin: germline. Affected: no.

GeneDx
Classification: Benign. Last evaluated: 2018-06-19. Review status: criteria provided, single submitter. Criteria: GeneDx Variant Classification (06012015). Collection method: clinical testing. Allele origin: germline. Affected: yes.
Comment: This variant is considered likely benign or benign based on one or more of the following criteria: it is a conservative change, it occurs at a poorly conserved position in the protein, it is predicted to be benign by multiple in silico algorithms, and/or has population frequency not consistent with disease.

Breakthrough Genomics
Classification: Benign. Review status: criteria provided, single submitter. Criteria: ACMG Guidelines, 2015. Collection method: not provided. Allele origin: germline. Inheritance: X-linked inheritance. Affected: yes.

NM_001183.6(ATP6AP1):c.289-135=

Gene: ATP6AP1 (ATPase H+ transporting accessory protein 1; plus strand). Cytogenetic location: Xq28.
Variant type: single nucleotide variant.
Coding change: c.289-135= on transcript NM_001183.6 (MANE Select); 135 bases into the intron before coding-DNA position 289, no change from the reference sequence.
Molecular consequence: intron variant.
Genome position: GRCh38 VCF-style: chrX-154431695-T-T. GRCh37 (hg19) VCF-style: chrX-153660041-C-T.
Identifiers: ClinVar variation 683341 (VCV000683341.5), dbSNP rs11156577.